The following is an entry in ClinVar:

ClinVar aggregate classification (germline): Uncertain significance (1 of 4 stars; one submission).

Conditions:
Neuronal ceroid lipofuscinosis. Also called: Neuronal Ceroid Lipofuscinoses. Identifiers: Orphanet 216, Orphanet 79263, MedGen C0027877, MONDO:0016295. Disease mechanism: loss of function.

Allele frequency attached by ClinVar (database versions not stated): gnomAD 0.00001.
gnomAD v4.1: 15 of 1,614,032 alleles (0.00093%); highest among the groups gnomAD compares: Non-Finnish European, 0.0013%; no homozygotes.

Submission:

Labcorp Genetics (formerly Invitae), Labcorp
Classification: Uncertain significance for Neuronal ceroid lipofuscinosis. Last evaluated: 2023-09-08. Review status: criteria provided, single submitter. Criteria: Invitae Variant Classification Sherloc (09022015). Collection method: clinical testing. Allele origin: germline.
Comment: An algorithm developed to predict the effect of missense changes on protein structure and function (PolyPhen-2) suggests that this variant is likely to be tolerated. In summary, the available evidence is currently insufficient to determine the role of this variant in disease. Therefore, it has been classified as a Variant of Uncertain Significance. ClinVar contains an entry for this variant (Variation ID: 1977150). This variant has not been reported in the literature in individuals affected with DNAJC5-related conditions. This variant is not present in population databases (gnomAD no frequency). This sequence change replaces aspartic acid, which is acidic and polar, with glutamic acid, which is acidic and polar, at codon 49 of the DNAJC5 protein (p.Asp49Glu).

NM_025219.3(DNAJC5):c.147C>A (p.Asp49Glu)

Gene: DNAJC5 (DnaJ heat shock protein family (Hsp40) member C5; plus strand). Cytogenetic location: 20q13.33.
Variant type: single nucleotide variant.
Coding change: c.147C>A on transcript NM_025219.3 (MANE Select); coding-DNA position 147, C replaced by A.
Protein change: p.Asp49Glu; replaces aspartic acid 49 with glutamic acid.
Molecular consequence: missense variant.
Genome position (GRCh38, 1-based): chr20:63,929,351, C>A. VCF-style: chr20-63929351-C-A. GRCh37 (hg19) VCF-style: chr20-62560704-C-A.
Other names: short protein forms D49E.
Identifiers: ClinVar variation 1977150 (VCV001977150.5), dbSNP rs1015989705, ClinGen allele CA317519863.